The following is an entry in ClinVar:

ClinVar aggregate classification (germline): Uncertain significance (1 of 4 stars; one submission).

gnomAD v4.1: 1 of 1,599,310 alleles (0.000063%); highest among the groups gnomAD compares: Non-Finnish European, 0.000086%; no homozygotes.

Submission:

Biesecker Lab/Clinical Genomics Section, National Institutes of Health
Classification: Uncertain significance. Last evaluated: 2013-06-24. Review status: criteria provided, single submitter. Criteria: Ng et al. (Circ Cardiovasc Genet. 2013). Collection method: research. Allele origin: unknown. Observed: 1 variant allele. Study: ClinSeq.
Comment: The study set was not selected for affection status in relation to any cancer. Pathogenicity categories were based on literature curation. See Pubmed ID:23861362 for details.

Medical sequencing

NM_001035.3(RYR2):c.9841T>G (p.Leu3281Val)

Gene: RYR2 (ryanodine receptor 2; plus strand). Cytogenetic location: 1q43.
Variant type: single nucleotide variant.
Coding change: c.9841T>G on transcript NM_001035.3 (MANE Select); coding-DNA position 9841, T replaced by G.
Protein change: p.Leu3281Val; replaces leucine 3281 with valine.
Molecular consequence: missense variant.
Genome position (GRCh38, 1-based): chr1:237,707,209, T>G. VCF-style: chr1-237707209-T-G. GRCh37 (hg19) VCF-style: chr1-237870509-T-G.
Other names: c.9841T>G, p.Leu3281Val (LRG_402t1); short protein forms L3281V.
Identifiers: ClinVar variation 191487 (VCV000191487.1), dbSNP rs786205424, ClinGen allele CA011335.